The following is an entry in ClinVar:

NM_000252.3(MTM1):c.463A>T (p.Asn155Tyr)

Gene: MTM1 (myotubularin 1; plus strand). Cytogenetic location: Xq28.
Variant type: single nucleotide variant.
Coding change: c.463A>T on transcript NM_000252.3 (MANE Select); coding-DNA position 463, A replaced by T.
Protein change: p.Asn155Tyr; replaces asparagine 155 with tyrosine.
Molecular consequence: missense variant.
Genome position (GRCh38, 1-based): chrX:150,638,961, A>T. VCF-style: chrX-150638961-A-T. GRCh37 (hg19) VCF-style: chrX-149807434-A-T.
Other names: c.463A>T, p.Asn155Tyr (NM_001376906.1, NM_001376908.1); c.352A>T, p.Asn118Tyr (NM_001376907.1); short protein forms N118Y, N155Y.
Identifiers: ClinVar variation 2711255 (VCV002711255.3), dbSNP rs2039801707, ClinGen allele CA415255566.
Genomic context (GRCh38, chrX:150,638,961, plus strand): 5'-GTTCCTTCACGCTGAACTTTATTTATTTTTTGCCTTTTCTAGCCATTATTTGCATTTTTA[A>T]ATGAAGAAAAGTTTAACGTGGATGGATGGACAGTTTACAATCCAGTGGAAGAATACAGGA-3'
Protein context (NP_000243.1, residues 145-165): AHSLPLFAFL[Asn155Tyr]EEKFNVDGWT

ClinVar aggregate classification (germline): Uncertain significance (1 of 4 stars; one submission).

Conditions:
Severe X-linked myotubular myopathy (CNMX). Also called: MYOTUBULAR MYOPATHY 1; Myotubular myopathy, X-linked; X-linked centronuclear myopathy. Identifiers: Orphanet 596, MedGen C0410203, MONDO:0010683, OMIM 310400.

Allele frequency attached by ClinVar (database versions not stated): gnomAD exomes below 0.00001; TOPMed below 0.00001.
gnomAD v4.1: 1 of 1,207,023 alleles (0.000083%); highest among the groups gnomAD compares: Non-Finnish European, 0.00011%; no homozygotes.

Submission:

Labcorp Genetics (formerly Invitae), Labcorp
Classification: Uncertain significance for Severe X-linked myotubular myopathy. Last evaluated: 2024-01-25. Review status: criteria provided, single submitter. Criteria: Invitae Variant Classification Sherloc (09022015). Collection method: clinical testing. Allele origin: germline.
Comment: This sequence change replaces asparagine, which is neutral and polar, with tyrosine, which is neutral and polar, at codon 155 of the MTM1 protein (p.Asn155Tyr). This variant is not present in population databases (gnomAD no frequency). This variant has not been reported in the literature in individuals affected with MTM1-related conditions. Advanced modeling of protein sequence and biophysical properties (such as structural, functional, and spatial information, amino acid conservation, physicochemical variation, residue mobility, and thermodynamic stability) performed at Invitae indicates that this missense variant is not expected to disrupt MTM1 protein function with a negative predictive value of 95%. In summary, the available evidence is currently insufficient to determine the role of this variant in disease. Therefore, it has been classified as a Variant of Uncertain Significance.